The following is an entry in ClinVar:

NM_173354.5(SIK1):c.76T>G (p.Phe26Val)

Gene: SIK1 (salt inducible kinase 1; minus strand). Cytogenetic location: 21q22.3.
Variant type: single nucleotide variant.
Coding change: c.76T>G on transcript NM_173354.5 (MANE Select); coding-DNA position 76, T replaced by G.
Protein change: p.Phe26Val; replaces phenylalanine 26 with valine.
Molecular consequence: missense variant.
Genome position (GRCh38, 1-based): chr21:43,426,103, A>C on the plus strand (T>G on the coding strand, the complement: SIK1 is on the minus strand). VCF-style: chr21-43426103-A-C. GRCh37 (hg19) VCF-style: chr21-44845983-A-C.
Other names: short protein forms F26V.
Identifiers: ClinVar variation 852259 (VCV000852259.10), dbSNP rs2081066253, ClinGen allele CA410611067.

ClinVar aggregate classification (germline): Uncertain significance (1 of 4 stars; one submission).

Conditions:
Developmental and epileptic encephalopathy, 30 (DEE30). Also called: Epileptic encephalopathy, early infantile, 30. Identifiers: MedGen C4225360, MONDO:0014595, OMIM 616341.

Submission:

Labcorp Genetics (formerly Invitae), Labcorp
Classification: Uncertain significance for Developmental and epileptic encephalopathy, 30. Last evaluated: 2024-02-05. Review status: criteria provided, single submitter. Criteria: Invitae Variant Classification Sherloc (09022015). Collection method: clinical testing. Allele origin: germline.
Comment: This sequence change replaces phenylalanine, which is neutral and non-polar, with valine, which is neutral and non-polar, at codon 26 of the SIK1 protein (p.Phe26Val). This variant is not present in population databases (gnomAD no frequency). This variant has not been reported in the literature in individuals affected with SIK1-related conditions. ClinVar contains an entry for this variant (Variation ID: 852259). Advanced modeling of protein sequence and biophysical properties (such as structural, functional, and spatial information, amino acid conservation, physicochemical variation, residue mobility, and thermodynamic stability) performed at Invitae indicates that this missense variant is not expected to disrupt SIK1 protein function with a negative predictive value of 95%. In summary, the available evidence is currently insufficient to determine the role of this variant in disease. Therefore, it has been classified as a Variant of Uncertain Significance.